The following is an entry in ClinVar:

ClinVar aggregate classification (germline): Uncertain significance (1 of 4 stars; one submission).

Conditions:
Charcot-Marie-Tooth disease axonal type 2C (HMSN2C). Also called: Charcot-Marie-Tooth Disease Type 2, TRPV4-Related (CMT2C); CHARCOT-MARIE-TOOTH DISEASE, AXONAL, AUTOSOMAL DOMINANT, TYPE 2C; Charcot-Marie-Tooth Neuropathy Type 2C. Identifiers: Orphanet 99937, MedGen C1853710, MONDO:0011633, OMIM 606071.

Allele frequency attached by ClinVar (database versions not stated): gnomAD exomes below 0.00001.
gnomAD v4.1: 1 of 1,614,180 alleles (0.000062%); highest among the groups gnomAD compares: Middle Eastern, 0.016%; no homozygotes.

Submission:

Labcorp Genetics (formerly Invitae), Labcorp
Classification: Uncertain significance for Charcot-Marie-Tooth disease axonal type 2C. Last evaluated: 2023-02-01. Review status: criteria provided, single submitter. Criteria: Invitae Variant Classification Sherloc (09022015). Collection method: clinical testing. Allele origin: germline.
Comment: This sequence change replaces valine, which is neutral and non-polar, with methionine, which is neutral and non-polar, at codon 95 of the TRPV4 protein (p.Val95Met). This variant is not present in population databases (gnomAD no frequency). This variant has not been reported in the literature in individuals affected with TRPV4-related conditions. ClinVar contains an entry for this variant (Variation ID: 839318). Advanced modeling of protein sequence and biophysical properties (such as structural, functional, and spatial information, amino acid conservation, physicochemical variation, residue mobility, and thermodynamic stability) performed at Invitae indicates that this missense variant is not expected to disrupt TRPV4 protein function. In summary, the available evidence is currently insufficient to determine the role of this variant in disease. Therefore, it has been classified as a Variant of Uncertain Significance.

NM_021625.5(TRPV4):c.283G>A (p.Val95Met)

Gene: TRPV4 (transient receptor potential cation channel subfamily V member 4; minus strand). Cytogenetic location: 12q24.11.
Variant type: single nucleotide variant.
Coding change: c.283G>A on transcript NM_021625.5 (MANE Select); coding-DNA position 283, G replaced by A.
Protein change: p.Val95Met; replaces valine 95 with methionine.
Molecular consequence: missense variant.
Genome position (GRCh38, 1-based): chr12:109,814,514, C>T on the plus strand (G>A on the coding strand, the complement: TRPV4 is on the minus strand). VCF-style: chr12-109814514-C-T. GRCh37 (hg19) VCF-style: chr12-110252319-C-T.
Other names: c.283G>A, p.Val95Met (NM_001177428.2, NM_001177433.2, NM_147204.3); c.181G>A, p.Val61Met (NM_001177431.2); short protein forms V61M, V95M.
Identifiers: ClinVar variation 839318 (VCV000839318.9), dbSNP rs1891735247, ClinGen allele CA386660330.